The following is an entry in ClinVar:

NM_001852.4(COL9A2):c.1053+7C>T

Gene: COL9A2 (collagen type IX alpha 2 chain; minus strand). Cytogenetic location: 1p34.2.
Variant type: single nucleotide variant.
Coding change: c.1053+7C>T on transcript NM_001852.4 (MANE Select); 7 bases into the intron after coding-DNA position 1053, C replaced by T.
Molecular consequence: intron variant.
Genome position (GRCh38, 1-based): chr1:40,306,136, G>A on the plus strand (C>T on the coding strand, the complement: COL9A2 is on the minus strand). VCF-style: chr1-40306136-G-A. GRCh37 (hg19) VCF-style: chr1-40771808-G-A.
Identifiers: ClinVar variation 297304 (VCV000297304.19), dbSNP rs79627294, ClinGen allele CA791620.

ClinVar aggregate classification (germline): Benign/Likely benign. Review status: criteria provided, multiple submitters, no conflicts (2 of 4 stars). 5 submissions from 5 submitters: Benign (4); Likely benign (1). Last evaluated 2026-01-26.

Conditions:
Epiphyseal dysplasia, multiple, 2 (EDM2). Also called: COL9A2-Related Multiple Epiphyseal Dysplasia. Identifiers: MedGen C1838429, MONDO:0010844, OMIM 600204.

Allele frequency attached by ClinVar (database versions not stated): gnomAD exomes 0.00164; ExAC 0.00190; ESP Exome Variant Server 0.00546; gnomAD 0.00554 and 0.00587; TOPMed 0.00650; 1000 Genomes Project 0.00899; 1000 Genomes Project 30x 0.00906.

Submissions (7):

Labcorp Genetics (formerly Invitae), Labcorp
Classification: Benign. Last evaluated: 2026-01-26. Review status: criteria provided, single submitter. Criteria: Invitae Variant Classification Sherloc (09022015). Collection method: clinical testing. Allele origin: germline.

Blueprint Genetics
Classification: Likely benign. Last evaluated: 2024-11-25. Review status: criteria provided, single submitter. Criteria: ACMG Guidelines, 2015. Collection method: clinical testing. Allele origin: germline.

Athena Diagnostics
Classification: Benign. Last evaluated: 2024-09-16. Review status: criteria provided, single submitter. Criteria: Athena Diagnostics Criteria. Collection method: clinical testing. Allele origin: unknown.

Illumina Laboratory Services, Illumina
Classification: Benign for Epiphyseal dysplasia, multiple, 2. Last evaluated: 2018-01-13. Review status: criteria provided, single submitter. Criteria: ICSL Variant Classification Criteria 13 December 2019. Collection method: clinical testing. Allele origin: germline.
Comment: This variant was observed in the ICSL laboratory as part of a predisposition screen in an ostensibly healthy population. It had not been previously curated by ICSL or reported in the Human Gene Mutation Database (HGMD: prior to June 1st, 2018), and was therefore a candidate for classification through an automated scoring system. Utilizing variant allele frequency, disease prevalence and penetrance estimates, and inheritance mode, an automated score was calculated to assess if this variant is too frequent to cause the disease. Based on the score and internal cut-off values, a variant classified as benign is not then subjected to further curation. The score for this variant resulted in a classification of benign for this disease.

GeneDx
Classification: Benign. Last evaluated: 2017-06-01. Review status: criteria provided, single submitter. Criteria: GeneDx Variant Classification (06012015). Collection method: clinical testing. Allele origin: germline. Affected: yes.
Comment: This variant is considered likely benign or benign based on one or more of the following criteria: it is a conservative change, it occurs at a poorly conserved position in the protein, it is predicted to be benign by multiple in silico algorithms, and/or has population frequency not consistent with disease.

Dr. Peter K. Rogan Lab, Western University
No classification provided (evidence only). Condition: Lung cancer. Review status: no classification provided. Collection method: in vitro. Allele origin: not applicable. Functional consequence: retained intron. Not counted in ClinVar's aggregate classification.

Dr. Peter K. Rogan Lab, Western University
No classification provided (evidence only). Condition: Acute myeloid leukemia. Review status: no classification provided. Collection method: in vitro. Allele origin: not applicable. Functional consequence: retained intron. Not counted in ClinVar's aggregate classification.